The following is an entry in ClinVar:

ClinVar aggregate classification (germline): Likely pathogenic (1 of 4 stars; one submission).

Submission:

Labcorp Genetics (formerly Invitae), Labcorp
Classification: Likely pathogenic. Last evaluated: 2022-08-25. Review status: criteria provided, single submitter. Criteria: Invitae Variant Classification Sherloc (09022015). Collection method: clinical testing. Allele origin: germline.
Comment: In summary, the currently available evidence indicates that the variant is pathogenic, but additional data are needed to prove that conclusively. Therefore, this variant has been classified as Likely Pathogenic. Algorithms developed to predict the effect of sequence changes on RNA splicing suggest that this variant may disrupt the consensus splice site. This variant has not been reported in the literature in individuals affected with COL27A1-related conditions. This variant is not present in population databases (gnomAD no frequency). This sequence change affects a splice site in intron 5 of the COL27A1 gene. It is expected to disrupt RNA splicing. Variants that disrupt the donor or acceptor splice site typically lead to a loss of protein function (PMID: 16199547), and loss-of-function variants in COL27A1 are known to be pathogenic (PMID: 24986830, 28276056).

Literature cited by the submitters: PubMed 16199547; PubMed 24986830; PubMed 28276056.

NM_032888.4(COL27A1):c.2016+2_2016+3del

Gene: COL27A1 (collagen type XXVII alpha 1 chain; plus strand). Cytogenetic location: 9q32.
Variant type: Deletion.
Coding change: c.2016+2_2016+3del on transcript NM_032888.4 (MANE Select); the canonical splice donor site of the intron after coding-DNA position 2016 through 3 bases into the intron after coding-DNA position 2016, 2 bases deleted (TG; older notation c.2016+2_2016+3delTG).
Molecular consequence: splice donor variant.
Genome position (GRCh38, 1-based): chr9:114,183,077-114,183,078, TG deleted; deleting any 2 consecutive bases within chr9:114,183,076-114,183,078 gives the same sequence; the c. name uses the placement nearest the transcript's 3' end. VCF-style (leftmost placement, unchanged base first): chr9-114183075-AGT-A. GRCh37 (hg19) VCF-style: chr9-116945355-AGT-A.
Identifiers: ClinVar variation 2027072 (VCV002027072.4), dbSNP rs2490698753, ClinGen allele CA2580079465.
Genomic context (GRCh38, chr9:114,183,075, plus strand): 5'-CTTTCAGGGTCCTCCTGGGCCTTATGGAAATCCAGGTCTCCCCGGCCCTCCTGGAGCCAA[AGT>A]GAGTATTTGCTGGAGATGTGGCCATGGAGTGGGTGCTGGGGTTGGAGCCATGTTTGCAGT-3'